The following is an entry in ClinVar:

NM_152564.5(VPS13B):c.5T>A (p.Leu2Gln)

Gene: VPS13B (vacuolar protein sorting 13 homolog B; plus strand). Cytogenetic location: 8q22.2.
Variant type: single nucleotide variant.
Coding change: c.5T>A on transcript NM_152564.5 (MANE Select); coding-DNA position 5, T replaced by A.
Protein change: p.Leu2Gln; replaces leucine 2 with glutamine.
Molecular consequence: missense variant. On other transcripts: non-coding transcript variant (1).
Genome position (GRCh38, 1-based): chr8:99,013,793, T>A. VCF-style: chr8-99013793-T-A. GRCh37 (hg19) VCF-style: chr8-100026021-T-A.
Other names: c.5T>A, p.Leu2Gln (NM_015243.3, NM_017890.5, NM_181661.3); short protein forms L2Q.
Identifiers: ClinVar variation 2180780 (VCV002180780.4), dbSNP rs1167200159, ClinGen allele CA371855985.

ClinVar aggregate classification (germline): Uncertain significance (1 of 4 stars; one submission).

Conditions:
Cohen syndrome (COH1). Also called: PEPPER SYNDROME; Cutis verticis gyrata, retinitis pigmentosa, and sensorineural deafness. Identifiers: Orphanet 193, MedGen C0265223, MONDO:0008999, OMIM 216550.

Submission:

Labcorp Genetics (formerly Invitae), Labcorp
Classification: Uncertain significance for Cohen syndrome. Last evaluated: 2021-12-23. Review status: criteria provided, single submitter. Criteria: Invitae Variant Classification Sherloc (09022015). Collection method: clinical testing. Allele origin: germline.
Comment: Algorithms developed to predict the effect of missense changes on protein structure and function are either unavailable or do not agree on the potential impact of this missense change (SIFT: "Not Available"; PolyPhen-2: "Probably Damaging"; Align-GVGD: "Not Available"). This sequence change replaces leucine, which is neutral and non-polar, with glutamine, which is neutral and polar, at codon 2 of the VPS13B protein (p.Leu2Gln). This variant is not present in population databases (gnomAD no frequency). This variant has not been reported in the literature in individuals affected with VPS13B-related conditions. In summary, the available evidence is currently insufficient to determine the role of this variant in disease. Therefore, it has been classified as a Variant of Uncertain Significance.